The following is an entry in ClinVar:

NM_022095.4(ZNF335):c.3670-7_3670-5del

Gene: ZNF335 (zinc finger protein 335; minus strand). Cytogenetic location: 20q13.12.
Variant type: Microsatellite.
Coding change: c.3670-7_3670-5del on transcript NM_022095.4 (MANE Select); 7 bases into the intron before coding-DNA position 3670 through 5 bases into the intron before coding-DNA position 3670, 3 bases deleted (CCA; older notation c.3670-7_3670-5delCCA).
Molecular consequence: intron variant.
Genome position (GRCh38, 1-based): chr20:45,949,573-45,949,575, TGG deleted on the plus strand (CCA on the coding strand, the reverse complement: ZNF335 is on the minus strand); deleting any 3 consecutive bases within chr20:45,949,573-45,949,578 gives the same sequence; the c. name uses the placement nearest the transcript's 3' end. VCF-style (leftmost placement, unchanged base first): chr20-45949572-TTGG-T. GRCh37 (hg19) VCF-style: chr20-44578211-TTGG-T.
Identifiers: ClinVar variation 3055948 (VCV003055948.2), dbSNP rs760719803, ClinGen allele CA9884889.

ClinVar aggregate classification (germline): Likely benign (0 of 4 stars; one submission).

Conditions:
ZNF335-related disorder. Also called: ZNF335-related condition.

Submission:

PreventionGenetics, part of Exact Sciences
Classification: Likely benign for ZNF335-related condition. Last evaluated: 2023-09-29. Review status: no assertion criteria provided. Collection method: clinical testing. Allele origin: germline.
Comment: This variant is classified as likely benign based on ACMG/AMP sequence variant interpretation guidelines (Richards et al. 2015 PMID: 25741868, with internal and published modifications).